The following is an entry in ClinVar:

NM_001367624.2(ZNF469):c.7268C>G (p.Pro2423Arg)

Gene: ZNF469 (zinc finger protein 469; plus strand). Cytogenetic location: 16q24.2.
Variant type: single nucleotide variant.
Coding change: c.7268C>G on transcript NM_001367624.2 (MANE Select); coding-DNA position 7268, C replaced by G.
Protein change: p.Pro2423Arg; replaces proline 2423 with arginine.
Molecular consequence: missense variant.
Genome position (GRCh38, 1-based): chr16:88,434,738, C>G. VCF-style: chr16-88434738-C-G. GRCh37 (hg19) VCF-style: chr16-88501146-C-G.
Other names: NM_001127464.1:c.7184C>G; short protein forms P2423R.
Identifiers: ClinVar variation 1757552 (VCV001757552.3), dbSNP rs1246649952, ClinGen allele CA397109060.

ClinVar aggregate classification (germline): Uncertain significance. Review status: criteria provided, multiple submitters, no conflicts (2 of 4 stars). 2 submissions from 2 submitters: Uncertain significance (2). Last evaluated 2025-10-08.

Conditions:
Cardiovascular phenotype. Identifiers: MedGen CN230736.

gnomAD v4.1: 9 of 1,550,292 alleles (0.00058%); highest among the groups gnomAD compares: Admixed American, 0.002%; no homozygotes.

Submissions (2):

Women's Health and Genetics/Laboratory Corporation of America, LabCorp
Classification: Uncertain significance. Last evaluated: 2025-10-08. Review status: criteria provided, single submitter. Criteria: LabCorp Variant Classification Summary - May 2015. Collection method: clinical testing. Allele origin: germline.
Comment: Variant summary: ZNF469 c.7268C>G (p.Pro2423Arg) results in a non-conservative amino acid change in the encoded protein sequence. Algorithms developed to predict the effect of missense changes on protein structure and function are either unavailable or do not agree on the potential impact of this missense change. The variant allele was found at a frequency of 6.5e-06 in 153780 control chromosomes. The available data on variant occurrences in the general population are insufficient to allow any conclusion about variant significance. To our knowledge, no occurrence of c.7268C>G in individuals affected with ZNF469-related conditions and no experimental evidence demonstrating its impact on protein function have been reported. ClinVar contains an entry for this variant (Variation ID: 1757552). Based on the evidence outlined above, the variant was classified as uncertain significance.

Ambry Genetics
Classification: Uncertain significance for Cardiovascular phenotype. Last evaluated: 2022-03-22. Review status: criteria provided, single submitter. Criteria: Ambry Variant Classification Scheme 2023. Collection method: clinical testing. Allele origin: germline.
Comment: The p.P2395R variant (also known as c.7184C>G), located in coding exon 2 of the ZNF469 gene, results from a C to G substitution at nucleotide position 7184. The proline at codon 2395 is replaced by arginine, an amino acid with dissimilar properties. This amino acid position is conserved. In addition, this alteration is predicted to be tolerated by in silico analysis. Since supporting evidence is limited at this time, the clinical significance of this alteration remains unclear.